The following is an entry in ClinVar:

NM_001365999.1(SZT2):c.7547G>A (p.Gly2516Glu)

Gene: SZT2 (SZT2 subunit of KICSTOR complex; plus strand). Cytogenetic location: 1p34.2.
Variant type: single nucleotide variant.
Coding change: c.7547G>A on transcript NM_001365999.1 (MANE Select); coding-DNA position 7547, G replaced by A.
Protein change: p.Gly2516Glu; replaces glycine 2516 with glutamic acid.
Molecular consequence: missense variant.
Genome position (GRCh38, 1-based): chr1:43,441,539, G>A. VCF-style: chr1-43441539-G-A. GRCh37 (hg19) VCF-style: chr1-43907210-G-A.
Other names: c.7376G>A, p.Gly2459Glu (NM_015284.4); short protein forms G2459E, G2516E.
Identifiers: ClinVar variation 1462506 (VCV001462506.6), dbSNP rs768933009, ClinGen allele CA810263.

ClinVar aggregate classification (germline): Uncertain significance (1 of 4 stars; one submission).

Allele frequency attached by ClinVar (database versions not stated): gnomAD 0.00001; TOPMed 0.00002.
gnomAD v4.1: 6 of 1,614,018 alleles (0.00037%); highest among the groups gnomAD compares: East Asian, 0.0089%; no homozygotes.

Submission:

Labcorp Genetics (formerly Invitae), Labcorp
Classification: Uncertain significance. Last evaluated: 2022-01-13. Review status: criteria provided, single submitter. Criteria: Invitae Variant Classification Sherloc (09022015). Collection method: clinical testing. Allele origin: germline.
Comment: This variant is present in population databases (rs768933009, gnomAD 0.02%). In summary, the available evidence is currently insufficient to determine the role of this variant in disease. Therefore, it has been classified as a Variant of Uncertain Significance. Algorithms developed to predict the effect of missense changes on protein structure and function are either unavailable or do not agree on the potential impact of this missense change (SIFT: "Tolerated"; PolyPhen-2: "Probably Damaging"; Align-GVGD: "Class C0"). This variant has not been reported in the literature in individuals affected with SZT2-related conditions. This sequence change replaces glycine, which is neutral and non-polar, with glutamic acid, which is acidic and polar, at codon 2459 of the SZT2 protein (p.Gly2459Glu).